The following is an entry in ClinVar:

ClinVar aggregate classification (germline): Uncertain significance (1 of 4 stars; one submission).

Allele frequency attached by ClinVar (database versions not stated): gnomAD exomes below 0.00001; TOPMed below 0.00001; gnomAD 0.00001.
gnomAD v4.1: 3 of 1,586,602 alleles (0.00019%); highest among the groups gnomAD compares: Admixed American, 0.0055%; no homozygotes.

Submission:

Labcorp Genetics (formerly Invitae), Labcorp
Classification: Uncertain significance. Last evaluated: 2023-12-26. Review status: criteria provided, single submitter. Criteria: Invitae Variant Classification Sherloc (09022015). Collection method: clinical testing. Allele origin: germline.
Comment: This sequence change replaces glutamine, which is neutral and polar, with arginine, which is basic and polar, at codon 1007 of the MECOM protein (p.Gln1007Arg). This variant is present in population databases (no rsID available, gnomAD 0.004%). This variant has not been reported in the literature in individuals affected with MECOM-related conditions. An algorithm developed to predict the effect of missense changes on protein structure and function (PolyPhen-2) suggests that this variant is likely to be disruptive. Algorithms developed to predict the effect of sequence changes on RNA splicing suggest that this variant may disrupt the consensus splice site. In summary, the available evidence is currently insufficient to determine the role of this variant in disease. Therefore, it has been classified as a Variant of Uncertain Significance.

NM_004991.4(MECOM):c.3584A>G (p.Gln1195Arg)

Gene: MECOM (MDS1 and EVI1 complex locus; minus strand). Cytogenetic location: 3q26.2.
Variant type: single nucleotide variant.
Coding change: c.3584A>G on transcript NM_004991.4 (MANE Select); coding-DNA position 3584, A replaced by G.
Protein change: p.Gln1195Arg; replaces glutamine 1195 with arginine.
Molecular consequence: missense variant.
Genome position (GRCh38, 1-based): chr3:169,089,001, T>C on the plus strand (A>G on the coding strand, the complement: MECOM is on the minus strand). VCF-style: chr3-169089001-T-C. GRCh37 (hg19) VCF-style: chr3-168806789-T-C.
Other names: c.3215A>G, p.Gln1072Arg (NM_001105077.4); c.3020A>G, p.Gln1007Arg (NM_001105078.4, NM_001205194.2, NM_001366469.2 and 1 more transcripts); c.2996A>G, p.Gln999Arg (NM_001163999.2, NM_001366470.2); c.2993A>G, p.Gln998Arg (NM_001164000.2, NM_001366471.2, NM_001366472.2); c.3557A>G, p.Gln1186Arg (NM_001366466.2); c.3023A>G, p.Gln1008Arg (NM_001366467.2, NM_001366468.2); c.2585A>G, p.Gln862Arg (NM_001366473.2); c.2021A>G, p.Gln674Arg (NM_001366474.2); short protein forms Q862R, Q1195R, Q999R, Q1008R, Q998R, Q1007R, Q1072R, Q1186R.
Identifiers: ClinVar variation 2894809 (VCV002894809.3), dbSNP rs1258750673, ClinGen allele CA355066455.